The following is an entry in ClinVar:

ClinVar aggregate classification (germline): Uncertain significance (1 of 4 stars; one submission).

gnomAD v4.1: 35 of 1,612,728 alleles (0.0022%); highest among the groups gnomAD compares: Middle Eastern, 0.02%; no homozygotes.

Submission:

GeneDx
Classification: Uncertain significance. Last evaluated: 2025-03-26. Review status: criteria provided, single submitter. Criteria: GeneDx Variant Classification Process June 2021. Collection method: clinical testing. Allele origin: germline. Affected: yes.
Comment: Not observed at significant frequency in large population cohorts (gnomAD); In silico analysis indicates that this missense variant does not alter protein structure/function; Has not been previously published as pathogenic or benign to our knowledge

NM_001277062.2(MFF):c.819G>A (p.Met273Ile)

Gene: MFF (mitochondrial fission factor; plus strand). Cytogenetic location: 2q36.3.
Variant type: single nucleotide variant.
Coding change: c.819G>A on transcript NM_001277062.2 (MANE Select); coding-DNA position 819, G replaced by A.
Protein change: p.Met273Ile; replaces methionine 273 with isoleucine.
Molecular consequence: missense variant. On other transcripts: non-coding transcript variant (1).
Genome position (GRCh38, 1-based): chr2:227,357,060, G>A. VCF-style: chr2-227357060-G-A. GRCh37 (hg19) VCF-style: chr2-228221776-G-A.
Other names: c.972G>A, p.Met324Ile (NM_001277061.2, NM_020194.5); c.675G>A, p.Met225Ile (NM_001277063.2); c.660G>A, p.Met220Ile (NM_001277064.2); c.600G>A, p.Met200Ile (NM_001277065.2, NM_001277066.2); c.609G>A, p.Met203Ile (NM_001277067.1); c.702G>A, p.Met234Ile (NM_001277068.1); short protein forms M200I, M234I, M203I, M273I, M220I, M225I, M324I.
Identifiers: ClinVar variation 4087817 (VCV004087817.1).